The following is an entry in ClinVar:

ClinVar aggregate classification (germline): Uncertain significance (1 of 4 stars; one submission).

Allele frequency attached by ClinVar (database versions not stated): gnomAD 0.00001; TOPMed 0.00002; gnomAD exomes 0.00004.
gnomAD v4.1: 54 of 1,613,960 alleles (0.0033%); highest among the groups gnomAD compares: Non-Finnish European, 0.0044%; no homozygotes.

Submission:

Labcorp Genetics (formerly Invitae), Labcorp
Classification: Uncertain significance. Last evaluated: 2022-03-15. Review status: criteria provided, single submitter. Criteria: Invitae Variant Classification Sherloc (09022015). Collection method: clinical testing. Allele origin: germline.
Comment: In summary, the available evidence is currently insufficient to determine the role of this variant in disease. Therefore, it has been classified as a Variant of Uncertain Significance. Algorithms developed to predict the effect of missense changes on protein structure and function are either unavailable or do not agree on the potential impact of this missense change (SIFT: "Deleterious"; PolyPhen-2: "Possibly Damaging"; Align-GVGD: "Class C0"). This variant has not been reported in the literature in individuals affected with C1QA-related conditions. This variant is not present in population databases (gnomAD no frequency). This sequence change replaces tryptophan, which is neutral and slightly polar, with arginine, which is basic and polar, at codon 7 of the C1QA protein (p.Trp7Arg).

NM_015991.4(C1QA):c.19T>C (p.Trp7Arg)

Gene: C1QA (complement C1q A chain; plus strand). Cytogenetic location: 1p36.12.
Variant type: single nucleotide variant.
Coding change: c.19T>C on transcript NM_015991.4 (MANE Select); coding-DNA position 19, T replaced by C.
Protein change: p.Trp7Arg; replaces tryptophan 7 with arginine.
Molecular consequence: missense variant.
Genome position (GRCh38, 1-based): chr1:22,637,635, T>C. VCF-style: chr1-22637635-T-C. GRCh37 (hg19) VCF-style: chr1-22964128-T-C.
Other names: c.19T>C, p.Trp7Arg (NM_001347465.2, NM_001347466.2); short protein forms W7R.
Identifiers: ClinVar variation 1431072 (VCV001431072.6), dbSNP rs775735381, ClinGen allele CA19170815.